The following is an entry in ClinVar:

ClinVar aggregate classification (germline): Uncertain significance. Review status: criteria provided, multiple submitters, no conflicts (2 of 4 stars). 2 submissions from 2 submitters: Uncertain significance (2). Last evaluated 2026-01-19.

Allele frequency attached by ClinVar (database versions not stated): gnomAD exomes below 0.00001.

Submissions (2):

Labcorp Genetics (formerly Invitae), Labcorp
Classification: Uncertain significance. Last evaluated: 2026-01-19. Review status: criteria provided, single submitter. Criteria: Invitae Variant Classification Sherloc (09022015). Collection method: clinical testing. Allele origin: germline.
Comment: This sequence change replaces arginine, which is basic and polar, with cysteine, which is neutral and slightly polar, at codon 232 of the KLB protein (p.Arg232Cys). This variant is not present in population databases (gnomAD no frequency). This variant has not been reported in the literature in individuals affected with KLB-related conditions. ClinVar contains an entry for this variant (Variation ID: 2478868). Invitae Evidence Modeling of protein sequence and biophysical properties (such as structural, functional, and spatial information, amino acid conservation, physicochemical variation, residue mobility, and thermodynamic stability) indicates that this missense variant is not expected to disrupt KLB protein function with a negative predictive value of 80%. In summary, the available evidence is currently insufficient to determine the role of this variant in disease. Therefore, it has been classified as a Variant of Uncertain Significance.

Ambry Genetics
Classification: Uncertain significance. Last evaluated: 2023-01-24. Review status: criteria provided, single submitter. Criteria: Ambry Variant Classification Scheme 2023. Collection method: clinical testing. Allele origin: germline.

NM_175737.4(KLB):c.694C>T (p.Arg232Cys)

Gene: KLB (klotho beta; plus strand). Cytogenetic location: 4p14.
Variant type: single nucleotide variant.
Coding change: c.694C>T on transcript NM_175737.4 (MANE Select); coding-DNA position 694, C replaced by T.
Protein change: p.Arg232Cys; replaces arginine 232 with cysteine.
Molecular consequence: missense variant.
Genome position (GRCh38, 1-based): chr4:39,407,643, C>T. VCF-style: chr4-39407643-C-T. GRCh37 (hg19) VCF-style: chr4-39409263-C-T.
Other names: short protein forms R232C.
Identifiers: ClinVar variation 2478868 (VCV002478868.3), dbSNP rs1742759824, ClinGen allele CA356650607.
Genomic context (GRCh38, chr4:39,407,643, plus strand): 5'-GATACCATAATAGATATCTTCAATGACTATGCCACATACTGTTTCCAGATGTTTGGGGAC[C>T]GTGTCAAATATTGGATTACAATTCACAACCCATATCTAGTGGCTTGGCATGGGTATGGGA-3'
Protein context (NP_783864.1, residues 222-242): ATYCFQMFGD[Arg232Cys]VKYWITIHNP